The following is an entry in ClinVar:

NM_004415.4(DSP):c.6347T>C (p.Ile2116Thr)

Gene: DSP (desmoplakin; plus strand). Cytogenetic location: 6p24.3.
Variant type: single nucleotide variant.
Coding change: c.6347T>C on transcript NM_004415.4 (MANE Select); coding-DNA position 6347, T replaced by C.
Protein change: p.Ile2116Thr; replaces isoleucine 2116 with threonine.
Molecular consequence: missense variant.
Genome position (GRCh38, 1-based): chr6:7,583,609, T>C. VCF-style: chr6-7583609-T-C. GRCh37 (hg19) VCF-style: chr6-7583842-T-C.
Other names: c.4550T>C, p.Ile1517Thr (NM_001008844.3); c.5018T>C, p.Ile1673Thr (NM_001319034.2); c.6347T>C (LRG_423t1); short protein forms I2116T, I1517T, I1673T.
Identifiers: ClinVar variation 180337 (VCV000180337.4), dbSNP rs730880087, ClinGen allele CA006872.

ClinVar aggregate classification (germline): Uncertain significance (1 of 4 stars; one submission).

Conditions:
Cardiomyopathy (CMYO). Also called: Cardiomyopathies. Identifiers: Orphanet 167848, MedGen C0878544, MONDO:0004994, HP:0001638. Inheritance: Various modes of inheritance.

Submission:

Color Diagnostics, LLC DBA Color Health
Classification: Uncertain significance for Cardiomyopathy. Last evaluated: 2024-03-06. Review status: criteria provided, single submitter. Criteria: ACMG Guidelines, 2015. Collection method: clinical testing. Allele origin: germline.
Comment: This missense variant replaces isoleucine with threonine at codon 2116 of the DSP protein. Computational prediction suggests that this variant may not impact protein structure and function (internally defined REVEL score threshold <= 0.5, PMID: 27666373). To our knowledge, functional studies have not been reported for this variant. This variant has not been reported in individuals affected with cardiovascular disorders in the literature. This variant has not been identified in the general population by the Genome Aggregation Database (gnomAD). The available evidence is insufficient to determine the role of this variant in disease conclusively. Therefore, this variant is classified as a Variant of Uncertain Significance.